The following is an entry in ClinVar:

ClinVar aggregate classification (germline): Uncertain significance. Review status: criteria provided, multiple submitters, no conflicts (2 of 4 stars). 2 submissions from 2 submitters: Uncertain significance (2). Last evaluated 2025-08-02.

Conditions:
Hereditary cancer-predisposing syndrome. Also called: Neoplastic Syndromes, Hereditary; Hereditary Cancer Syndrome; Tumor predisposition; Hereditary neoplastic syndrome. Identifiers: Orphanet 140162, MedGen C0027672, MeSH D009386, MONDO:0015356.
Renal cell carcinoma. Identifiers: Orphanet 217071, MedGen C0007134, MeSH D002292, MONDO:0005086, HP:0005584.

Allele frequency attached by ClinVar (database versions not stated): gnomAD exomes below 0.00001; TOPMed 0.00001.
gnomAD v4.1: 2 of 1,587,628 alleles (0.00013%); highest among the groups gnomAD compares: African/African-American, 0.0027%; no homozygotes.

Submissions (2):

Ambry Genetics
Classification: Uncertain significance for Hereditary cancer-predisposing syndrome. Last evaluated: 2025-08-02. Review status: criteria provided, single submitter. Criteria: Ambry Variant Classification Scheme 2023. Collection method: clinical testing. Allele origin: germline.
Comment: The p.T756S variant (also known as c.2267C>G), located in coding exon 9 of the MET gene, results from a C to G substitution at nucleotide position 2267. The threonine at codon 756 is replaced by serine, an amino acid with similar properties. This amino acid position is conserved. In addition, this alteration is predicted to be tolerated by in silico analysis. Since supporting evidence is limited at this time, the clinical significance of this alteration remains unclear.

Labcorp Genetics (formerly Invitae), Labcorp
Classification: Uncertain significance for Renal cell carcinoma. Last evaluated: 2024-12-31. Review status: criteria provided, single submitter. Criteria: Invitae Variant Classification Sherloc (09022015). Collection method: clinical testing. Allele origin: germline.
Comment: This sequence change replaces threonine, which is neutral and polar, with serine, which is neutral and polar, at codon 756 of the MET protein (p.Thr756Ser). This variant is present in population databases (no rsID available, gnomAD 0.008%). This variant has not been reported in the literature in individuals affected with MET-related conditions. ClinVar contains an entry for this variant (Variation ID: 2447318). An algorithm developed to predict the effect of missense changes on protein structure and function outputs the following: PolyPhen-2: "Benign". The serine amino acid residue is found in multiple mammalian species, which suggests that this missense change does not adversely affect protein function. In summary, the available evidence is currently insufficient to determine the role of this variant in disease. Therefore, it has been classified as a Variant of Uncertain Significance.

NM_000245.4(MET):c.2265-52C>G

Gene: MET (MET proto-oncogene, receptor tyrosine kinase; plus strand). Cytogenetic location: 7q31.2.
Variant type: single nucleotide variant.
Coding change: c.2265-52C>G on transcript NM_000245.4 (MANE Select); 52 bases into the intron before coding-DNA position 2265, C replaced by G.
Molecular consequence: intron variant. On other transcripts: missense variant (1).
Genome position (GRCh38, 1-based): chr7:116,759,339, C>G. VCF-style: chr7-116759339-C-G. GRCh37 (hg19) VCF-style: chr7-116399393-C-G.
Other names: c.2267C>G, p.Thr756Ser (NM_001127500.3); c.975-52C>G (NM_001324402.2); c.2265-52C>G (NM_001324401.3); short protein forms T756S.
Identifiers: ClinVar variation 2447318 (VCV002447318.5), dbSNP rs1481670311, ClinGen allele CA368981483.